The following is an entry in ClinVar:

ClinVar aggregate classification (germline): Uncertain significance (1 of 4 stars; one submission).

Conditions:
Catecholaminergic polymorphic ventricular tachycardia 1. Also called: VENTRICULAR TACHYCARDIA, CATECHOLAMINERGIC POLYMORPHIC, 1, WITH OR WITHOUT ATRIAL DYSFUNCTION AND/OR DILATED CARDIOMYOPATHY; RYR2-Related Catecholaminergic Polymorphic Ventricular Tachycardia; VENTRICULAR TACHYCARDIA, STRESS-INDUCED POLYMORPHIC 1. Identifiers: Orphanet 3286, MedGen C1631597, MONDO:0011484, OMIM 604772.

Submission:

Labcorp Genetics (formerly Invitae), Labcorp
Classification: Uncertain significance for Catecholaminergic polymorphic ventricular tachycardia 1. Last evaluated: 2024-08-11. Review status: criteria provided, single submitter. Criteria: Invitae Variant Classification Sherloc (09022015). Collection method: clinical testing. Allele origin: germline.
Comment: This sequence change replaces threonine, which is neutral and polar, with isoleucine, which is neutral and non-polar, at codon 1093 of the RYR2 protein (p.Thr1093Ile). This variant is not present in population databases (gnomAD no frequency). This variant has not been reported in the literature in individuals affected with RYR2-related conditions. Advanced modeling of protein sequence and biophysical properties (such as structural, functional, and spatial information, amino acid conservation, physicochemical variation, residue mobility, and thermodynamic stability) performed at Invitae indicates that this missense variant is not expected to disrupt RYR2 protein function with a negative predictive value of 95%. In summary, the available evidence is currently insufficient to determine the role of this variant in disease. Therefore, it has been classified as a Variant of Uncertain Significance.

NM_001035.3(RYR2):c.3278C>T (p.Thr1093Ile)

Gene: RYR2 (ryanodine receptor 2; plus strand). Cytogenetic location: 1q43.
Variant type: single nucleotide variant.
Coding change: c.3278C>T on transcript NM_001035.3 (MANE Select); coding-DNA position 3278, C replaced by T.
Protein change: p.Thr1093Ile; replaces threonine 1093 with isoleucine.
Molecular consequence: missense variant.
Genome position (GRCh38, 1-based): chr1:237,566,630, C>T. VCF-style: chr1-237566630-C-T. GRCh37 (hg19) VCF-style: chr1-237729930-C-T.
Other names: short protein forms T1093I.
Identifiers: ClinVar variation 3633788 (VCV003633788.2).